The following is an entry in ClinVar:

ClinVar aggregate classification (germline): Uncertain significance (1 of 4 stars; one submission).

Conditions:
Cardiovascular phenotype. Identifiers: MedGen CN230736.

Submission:

Ambry Genetics
Classification: Uncertain significance for Cardiovascular phenotype. Last evaluated: 2026-03-30. Review status: criteria provided, single submitter. Criteria: Ambry Variant Classification Scheme 2023. Collection method: clinical testing. Allele origin: germline.
Comment: The p.I2320L variant (also known as c.6958A>C), located in coding exon 48 of the DMD gene, results from an A to C substitution at nucleotide position 6958. The isoleucine at codon 2320 is replaced by leucine, an amino acid with highly similar properties. This amino acid position is conserved. In addition, this alteration is predicted to be tolerated by in silico analysis. Based on the available evidence, the clinical significance of this variant remains unclear.

NM_004006.3(DMD):c.6958A>C (p.Ile2320Leu)

Gene: DMD (dystrophin; minus strand). Cytogenetic location: Xp21.1.
Variant type: single nucleotide variant.
Coding change: c.6958A>C on transcript NM_004006.3 (MANE Select); coding-DNA position 6958, A replaced by C.
Protein change: p.Ile2320Leu; replaces isoleucine 2320 with leucine.
Molecular consequence: missense variant. On other transcripts: 5 prime UTR variant (5).
Genome position (GRCh38, 1-based): chrX:31,875,328, T>G on the plus strand (A>C on the coding strand, the complement: DMD is on the minus strand). VCF-style: chrX-31875328-T-G. GRCh37 (hg19) VCF-style: chrX-31893445-T-G.
Other names: c.6934A>C, p.Ile2312Leu (NM_000109.4); c.6946A>C, p.Ile2316Leu (NM_004009.3); c.6589A>C, p.Ile2197Leu (NM_004010.3); c.2935A>C, p.Ile979Leu (NM_004011.4); c.2926A>C, p.Ile976Leu (NM_004012.4); c.-423A>C (NM_004013.3, NM_004020.4, NM_004021.3 and 2 more transcripts); short protein forms I2197L, I2312L, I2316L, I2320L, I976L, I979L.
Identifiers: ClinVar variation 4869863 (VCV004869863.1).